The following is an entry in ClinVar:

NM_003562.5(SLC25A11):c.925C>T (p.Arg309Cys)

Gene: SLC25A11 (solute carrier family 25 member 11; minus strand). Cytogenetic location: 17p13.2.
Variant type: single nucleotide variant.
Coding change: c.925C>T on transcript NM_003562.5 (MANE Select); coding-DNA position 925, C replaced by T.
Protein change: p.Arg309Cys; replaces arginine 309 with cysteine.
Molecular consequence: missense variant.
Genome position (GRCh38, 1-based): chr17:4,937,761, G>A on the plus strand (C>T on the coding strand, the complement: SLC25A11 is on the minus strand). VCF-style: chr17-4937761-G-A. GRCh37 (hg19) VCF-style: chr17-4841056-G-A.
Other names: c.925C>T (NM_003562.4); c.892C>T, p.Arg298Cys (NM_001165417.2); c.772C>T, p.Arg258Cys (NM_001165418.2); short protein forms R309C, R258C, R298C.
Identifiers: ClinVar variation 3632620 (VCV003632620.3).
Genomic context (GRCh38, chr17:4,937,761, plus strand): 5'-GGCTATAGGCGCAGCAGGCGAGTGGGAGCCCCCGGCCGCTTCAGCCACTGAGGAAGAGAC[G>A]CTTGTAGGCCTTGTTCATCTGCTCCAAGAAGATGAAGGTGAGGACGGTGTGGGGGCCCAG-3'
Protein context (NP_003553.2, residues 299-314): FLEQMNKAYK[Arg309Cys]LFLSG

ClinVar aggregate classification (germline): Uncertain significance. Review status: criteria provided, multiple submitters, no conflicts (2 of 4 stars). 2 submissions from 2 submitters: Uncertain significance (2). Last evaluated 2025-09-22.

gnomAD v4.1: 14 of 1,612,062 alleles (0.00087%); highest among the groups gnomAD compares: South Asian, 0.0011%; no homozygotes.

Submissions (2):

Ambry Genetics
Classification: Uncertain significance. Last evaluated: 2025-09-22. Review status: criteria provided, single submitter. Criteria: Ambry Variant Classification Scheme 2023. Collection method: clinical testing. Allele origin: germline.

Labcorp Genetics (formerly Invitae), Labcorp
Classification: Uncertain significance. Last evaluated: 2024-06-19. Review status: criteria provided, single submitter. Criteria: Invitae Variant Classification Sherloc (09022015). Collection method: clinical testing. Allele origin: germline.
Comment: This sequence change replaces arginine, which is basic and polar, with cysteine, which is neutral and slightly polar, at codon 309 of the SLC25A11 protein (p.Arg309Cys). This variant is present in population databases (rs747131816, gnomAD 0.003%). This variant has not been reported in the literature in individuals affected with SLC25A11-related conditions. Experimental studies and prediction algorithms are not available or were not evaluated, and the functional significance of this variant is currently unknown. In summary, the available evidence is currently insufficient to determine the role of this variant in disease. Therefore, it has been classified as a Variant of Uncertain Significance.